The following is an entry in ClinVar:

NM_001164665.2(KIAA1549):c.1523C>G (p.Ser508Cys)

Gene: KIAA1549 (KIAA1549; minus strand). Cytogenetic location: 7q34.
Variant type: single nucleotide variant.
Coding change: c.1523C>G on transcript NM_001164665.2 (MANE Select); coding-DNA position 1523, C replaced by G.
Protein change: p.Ser508Cys; replaces serine 508 with cysteine.
Molecular consequence: missense variant.
Genome position (GRCh38, 1-based): chr7:138,918,103, G>C on the plus strand (C>G on the coding strand, the complement: KIAA1549 is on the minus strand). VCF-style: chr7-138918103-G-C. GRCh37 (hg19) VCF-style: chr7-138602849-G-C.
Other names: c.1523C>G, p.Ser508Cys (NM_020910.3); c.1523C>G (NM_001164665.1); short protein forms S508C.
Identifiers: ClinVar variation 1492020 (VCV001492020.6), dbSNP rs760971422, ClinGen allele CA4506706.

ClinVar aggregate classification (germline): Uncertain significance. Review status: criteria provided, multiple submitters, no conflicts (2 of 4 stars). 2 submissions from 2 submitters: Uncertain significance (2). Last evaluated 2025-06-18.

Conditions:
Inborn genetic diseases. Identifiers: MedGen C0950123, MeSH D030342.

Allele frequency attached by ClinVar (database versions not stated): ExAC 0.00002; gnomAD 0.00002; TOPMed 0.00002; gnomAD exomes 0.00003.

Submissions (2):

Ambry Genetics
Classification: Uncertain significance for Inborn genetic diseases. Last evaluated: 2025-06-18. Review status: criteria provided, single submitter. Criteria: Ambry Variant Classification Scheme 2023. Collection method: clinical testing. Allele origin: germline.

Labcorp Genetics (formerly Invitae), Labcorp
Classification: Uncertain significance. Last evaluated: 2022-07-26. Review status: criteria provided, single submitter. Criteria: Invitae Variant Classification Sherloc (09022015). Collection method: clinical testing. Allele origin: germline.
Comment: This sequence change replaces serine, which is neutral and polar, with cysteine, which is neutral and slightly polar, at codon 508 of the KIAA1549 protein (p.Ser508Cys). This variant is present in population databases (rs760971422, gnomAD 0.02%). This variant has not been reported in the literature in individuals affected with KIAA1549-related conditions. ClinVar contains an entry for this variant (Variation ID: 1492020). Algorithms developed to predict the effect of missense changes on protein structure and function are either unavailable or do not agree on the potential impact of this missense change (SIFT: "Tolerated"; PolyPhen-2: "Possibly Damaging"; Align-GVGD: "Class C0"). In summary, the available evidence is currently insufficient to determine the role of this variant in disease. Therefore, it has been classified as a Variant of Uncertain Significance.